The following is an entry in ClinVar:

ClinVar aggregate classification (germline): Uncertain significance (1 of 4 stars; one submission).

Submission:

GeneDx
Classification: Uncertain significance. Last evaluated: 2024-08-28. Review status: criteria provided, single submitter. Criteria: GeneDx Variant Classification Process June 2021. Collection method: clinical testing. Allele origin: germline. Affected: yes.
Comment: Not observed at significant frequency in large population cohorts (gnomAD); In silico analysis supports that this missense variant has a deleterious effect on protein structure/function; Has not been previously published as pathogenic or benign to our knowledge

NM_001148.6(ANK2):c.1621G>A (p.Gly541Ser)

Gene: ANK2 (ankyrin 2; plus strand). Cytogenetic location: 4q26.
Variant type: single nucleotide variant.
Coding change: c.1621G>A on transcript NM_001148.6 (MANE Select); coding-DNA position 1621, G replaced by A.
Protein change: p.Gly541Ser; replaces glycine 541 with serine.
Molecular consequence: missense variant.
Genome position (GRCh38, 1-based): chr4:113,274,587, G>A. VCF-style: chr4-113274587-G-A. GRCh37 (hg19) VCF-style: chr4-114195743-G-A.
Other names: c.1558G>A, p.Gly520Ser (NM_001127493.3, NM_001354239.2, NM_001354243.2 and 14 more transcripts); c.1621G>A, p.Gly541Ser (NM_001354225.2, NM_001354228.2, NM_001354232.2 and 8 more transcripts); c.1666G>A, p.Gly556Ser (NM_001354230.2, NM_001354231.2, NM_001354237.2 and 5 more transcripts); c.1534G>A, p.Gly512Ser (NM_001354249.2, NM_001354260.2, NM_001354264.2 and 13 more transcripts); c.1579G>A, p.Gly527Ser (NM_001354261.2, NM_001386147.1, NM_001386160.1); c.1411G>A, p.Gly471Ser (NM_001354269.3); c.1423G>A, p.Gly475Ser (NM_001354273.2); c.1336G>A, p.Gly446Ser (NM_001354277.2, NM_001386157.1, NM_001386158.1); and 4 more; short protein forms G446S, G471S, G475S, G512S, G520S, G527S, G529S, G537S.
Identifiers: ClinVar variation 3766239 (VCV003766239.1).
Genomic context (GRCh38, chr4:113,274,587, plus strand): 5'-GCTCATCCAGATGCGGCCACTACAAATGGGTACACACCACTGCACATCTCTGCCCGGGAG[G>A]GCCAGGTGGATGTGGCATCAGTCCTATTGGAAGCAGGAGCAGCCCACTCCTTAGCTACCA-3'
Protein context (NP_001139.3, residues 531-551): YTPLHISARE[Gly541Ser]QVDVASVLLE